The following is an entry in ClinVar:

NM_000383.4(AIRE):c.1124A>G (p.Glu375Gly)

Gene: AIRE (autoimmune regulator; plus strand). Cytogenetic location: 21q22.3.
Variant type: single nucleotide variant.
Coding change: c.1124A>G on transcript NM_000383.4 (MANE Select); coding-DNA position 1124, A replaced by G.
Protein change: p.Glu375Gly; replaces glutamic acid 375 with glycine.
Molecular consequence: missense variant.
Genome position (GRCh38, 1-based): chr21:44,293,021, A>G. VCF-style: chr21-44293021-A-G. GRCh37 (hg19) VCF-style: chr21-45712904-A-G.
Other names: short protein forms E375G.
Identifiers: ClinVar variation 2756625 (VCV002756625.3), dbSNP rs1231290101, ClinGen allele CA410425301.
Genomic context (GRCh38, chr21:44,293,021, plus strand): 5'-CTGCCCCTCTGATGCTGACCCTTGGGTTCCAGCTCCCCCCGGGGCTTAGGTCGGCGGGAG[A>G]GGAGGTAAGAGGTCCACCTGGGGAACCCCTAGCCGGCATGGACACGACTCTTGTCTACAA-3'
Protein context (NP_000374.1, residues 365-385): PLPPGLRSAG[Glu375Gly]EVRGPPGEPL

ClinVar aggregate classification (germline): Uncertain significance (1 of 4 stars; one submission).

Conditions:
Polyglandular autoimmune syndrome, type 1 (APS1). Also called: HYPOADRENOCORTICISM WITH HYPOPARATHYROIDISM AND SUPERFICIAL MONILIASIS; Autoimmune polyendocrine syndrome type 1; PGA I; Whitaker syndrome; AUTOIMMUNE POLYENDOCRINE SYNDROME, TYPE I, WITH OR WITHOUT REVERSIBLE METAPHYSEAL DYSPLASIA; APS I. Identifiers: Orphanet 3453, MedGen C0085859, MONDO:0009411, OMIM 240300.

Allele frequency attached by ClinVar (database versions not stated): TOPMed below 0.00001; gnomAD 0.00001.
gnomAD v4.1: 1 of 1,612,050 alleles (0.000062%); highest among the groups gnomAD compares: African/African-American, 0.0013%; no homozygotes.

Submission:

Labcorp Genetics (formerly Invitae), Labcorp
Classification: Uncertain significance for Polyglandular autoimmune syndrome, type 1. Last evaluated: 2023-08-30. Review status: criteria provided, single submitter. Criteria: Invitae Variant Classification Sherloc (09022015). Collection method: clinical testing. Allele origin: germline.
Comment: In summary, the available evidence is currently insufficient to determine the role of this variant in disease. Therefore, it has been classified as a Variant of Uncertain Significance. This sequence change replaces glutamic acid, which is acidic and polar, with glycine, which is neutral and non-polar, at codon 375 of the AIRE protein (p.Glu375Gly). This variant is not present in population databases (gnomAD no frequency). This variant has not been reported in the literature in individuals affected with AIRE-related conditions. Advanced modeling of protein sequence and biophysical properties (such as structural, functional, and spatial information, amino acid conservation, physicochemical variation, residue mobility, and thermodynamic stability) performed at Invitae indicates that this missense variant is not expected to disrupt AIRE protein function. Algorithms developed to predict the effect of sequence changes on RNA splicing suggest that this variant may disrupt the consensus splice site.